The following is an entry in ClinVar:

NM_006648.4(WNK2):c.4378C>G (p.Pro1460Ala)

Gene: WNK2 (WNK lysine deficient protein kinase 2; plus strand). Cytogenetic location: 9q22.31.
Variant type: single nucleotide variant.
Coding change: c.4378C>G on transcript NM_006648.4 (MANE Select); coding-DNA position 4378, C replaced by G.
Protein change: p.Pro1460Ala; replaces proline 1460 with alanine.
Molecular consequence: missense variant.
Genome position (GRCh38, 1-based): chr9:93,289,132, C>G. VCF-style: chr9-93289132-C-G. GRCh37 (hg19) VCF-style: chr9-96051414-C-G.
Other names: c.4489C>G, p.Pro1497Ala (NM_001282394.3); short protein forms P1497A, P1460A.
Identifiers: ClinVar variation 3816763 (VCV003816763.1).

ClinVar aggregate classification (germline): Uncertain significance (1 of 4 stars; one submission).

gnomAD v4.1: 1 of 1,602,022 alleles (0.000062%); highest among the groups gnomAD compares: Non-Finnish European, 0.000085%; no homozygotes.

Submission:

Ambry Genetics
Classification: Uncertain significance. Last evaluated: 2025-01-06. Review status: criteria provided, single submitter. Criteria: Ambry Variant Classification Scheme 2023. Collection method: clinical testing. Allele origin: germline.
Comment: The p.P1460A variant (also known as c.4378C>G), located in coding exon 19 of the WNK2 gene, results from a C to G substitution at nucleotide position 4378. The proline at codon 1460 is replaced by alanine, an amino acid with highly similar properties. This amino acid position is conserved. In addition, this alteration is predicted to be tolerated by in silico analysis. Based on the available evidence, the clinical significance of this variant remains unclear.